The following is an entry in ClinVar:

ClinVar aggregate classification (germline): Conflicting classifications of pathogenicity. Review status: criteria provided, conflicting classifications (1 of 4 stars). 2 submissions from 2 submitters: Pathogenic (1); Uncertain significance (1). Last evaluated 2020-03-12.

Conditions:
Retinitis pigmentosa (RP). Identifiers: Orphanet 791, MedGen C0035334, MeSH D012174, MONDO:0019200, OMIM 268000. Inheritance: Autosomal dominant, autosomal recessive and X linked inheritance.

Submissions (2):

Labcorp Genetics (formerly Invitae), Labcorp
Classification: Uncertain significance. Last evaluated: 2020-03-12. Review status: criteria provided, single submitter. Criteria: Invitae Variant Classification Sherloc (09022015). Collection method: clinical testing. Allele origin: germline.
Comment: This sequence change replaces threonine with alanine at codon 31 of the ARL3 protein (p.Thr31Ala). The threonine residue is highly conserved and there is a small physicochemical difference between threonine and alanine. This variant is not present in population databases (ExAC no frequency). This variant has not been reported in the literature in individuals with ARL3-related conditions. Algorithms developed to predict the effect of missense changes on protein structure and function are either unavailable or do not agree on the potential impact of this missense change (SIFT: "Deleterious"; PolyPhen-2: "Probably Damaging"; Align-GVGD: "Class C0"). In summary, the available evidence is currently insufficient to determine the role of this variant in disease. Therefore, it has been classified as a Variant of Uncertain Significance.

Henan Ocular Pharmacology and Therapeutics International Laboratory, Henan Provincial People’s Hospital
Classification: Pathogenic for Retinitis pigmentosa. Review status: criteria provided, single submitter. Criteria: ACMG Guidelines, 2015. Collection method: research, in vitro. Allele origin: inherited, not applicable. Inheritance: Autosomal recessive inheritance.

NM_004311.4(ARL3):c.91A>G (p.Thr31Ala)

Gene: ARL3 (ARF like GTPase 3; minus strand). Cytogenetic location: 10q24.32.
Variant type: single nucleotide variant.
Coding change: c.91A>G on transcript NM_004311.4 (MANE Select); coding-DNA position 91, A replaced by G.
Protein change: p.Thr31Ala; replaces threonine 31 with alanine.
Molecular consequence: missense variant.
Genome position (GRCh38, 1-based): chr10:102,705,402, T>C on the plus strand (A>G on the coding strand, the complement: ARL3 is on the minus strand). VCF-style: chr10-102705402-T-C. GRCh37 (hg19) VCF-style: chr10-104465159-T-C.
Other names: short protein forms T31A.
Identifiers: ClinVar variation 997973 (VCV000997973.11), dbSNP rs2064304102, ClinGen allele CA377923629.